The following is an entry in ClinVar:

NM_001077653.2(TBX20):c.1100C>T (p.Ala367Val)

Gene: TBX20 (T-box transcription factor 20; minus strand). Cytogenetic location: 7p14.2.
Variant type: single nucleotide variant.
Coding change: c.1100C>T on transcript NM_001077653.2 (MANE Select); coding-DNA position 1100, C replaced by T.
Protein change: p.Ala367Val; replaces alanine 367 with valine.
Molecular consequence: missense variant.
Genome position (GRCh38, 1-based): chr7:35,202,674, G>A on the plus strand (C>T on the coding strand, the complement: TBX20 is on the minus strand). VCF-style: chr7-35202674-G-A. GRCh37 (hg19) VCF-style: chr7-35242286-G-A.
Other names: short protein forms A367V.
Identifiers: ClinVar variation 2111721 (VCV002111721.5), dbSNP rs2546980976, ClinGen allele CA367263208.
Genomic context (GRCh38, chr7:35,202,674, plus strand): 5'-AGAGAACCCTGGATGGGGTGAGGAATGGGTGTTGCTATGGATGCTGTGCTGGTGCCAAGA[G>A]CAGTCAGGGACTGTGGGTGCTGAAACCCAGGAAAACTGGAAGAAGATGATACCCAGGAGC-3'
Protein context (NP_001071121.1, residues 357-377): PGFQHPQSLT[Ala367Val]LGTSTASIAT

ClinVar aggregate classification (germline): Uncertain significance. Review status: criteria provided, multiple submitters, no conflicts (2 of 4 stars). 2 submissions from 2 submitters: Uncertain significance (2). Last evaluated 2025-07-28.

Conditions:
Cardiovascular phenotype. Identifiers: MedGen CN230736.

Submissions (2):

Ambry Genetics
Classification: Uncertain significance for Cardiovascular phenotype. Last evaluated: 2025-07-28. Review status: criteria provided, single submitter. Criteria: Ambry Variant Classification Scheme 2023. Collection method: clinical testing. Allele origin: germline.
Comment: The p.A367V variant (also known as c.1100C>T), located in coding exon 8 of the TBX20 gene, results from a C to T substitution at nucleotide position 1100. The alanine at codon 367 is replaced by valine, an amino acid with similar properties. This amino acid position is conserved. In addition, this alteration is predicted to be deleterious by in silico analysis. Based on the available evidence, the clinical significance of this variant remains unclear.

Labcorp Genetics (formerly Invitae), Labcorp
Classification: Uncertain significance. Last evaluated: 2022-03-14. Review status: criteria provided, single submitter. Criteria: Invitae Variant Classification Sherloc (09022015). Collection method: clinical testing. Allele origin: germline.
Comment: This variant is not present in population databases (gnomAD no frequency). This sequence change replaces alanine, which is neutral and non-polar, with valine, which is neutral and non-polar, at codon 367 of the TBX20 protein (p.Ala367Val). In summary, the available evidence is currently insufficient to determine the role of this variant in disease. Therefore, it has been classified as a Variant of Uncertain Significance. Algorithms developed to predict the effect of missense changes on protein structure and function are either unavailable or do not agree on the potential impact of this missense change (SIFT: "Deleterious"; PolyPhen-2: "Benign"; Align-GVGD: "Class C0"). This variant has not been reported in the literature in individuals affected with TBX20-related conditions.